The following is an entry in ClinVar:

NM_004369.4(COL6A3):c.9129C>T (p.Arg3043=)

Gene: COL6A3 (collagen type VI alpha 3 chain; minus strand). Cytogenetic location: 2q37.3.
Variant type: single nucleotide variant.
Coding change: c.9129C>T on transcript NM_004369.4 (MANE Select); coding-DNA position 9129, C replaced by T.
Protein change: p.Arg3043=; no amino-acid change (arginine 3043 retained).
Molecular consequence: synonymous variant.
Genome position (GRCh38, 1-based): chr2:237,334,726, G>A on the plus strand (C>T on the coding strand, the complement: COL6A3 is on the minus strand). VCF-style: chr2-237334726-G-A. GRCh37 (hg19) VCF-style: chr2-238243369-G-A.
Other names: p.Arg3043=; c.7308C>T, p.Arg2436= (NM_057166.5); c.8511C>T, p.Arg2837= (NM_057167.4).
Identifiers: ClinVar variation 95017 (VCV000095017.31), dbSNP rs10201909, ClinGen allele CA148095.

ClinVar aggregate classification (germline): Benign. Review status: criteria provided, multiple submitters, no conflicts (2 of 4 stars). 12 submissions from 12 submitters: Benign (9). 3 of the submissions do not count toward it. Last evaluated 2026-02-03.

Conditions:
Collagen 6-related myopathy. Identifiers: MedGen CN117976, MONDO:0100225.
Bethlem myopathy 1A. Also called: Bethlem myopathy 1; Bethlem Muscular Dystrophy; MYOPATHY, BENIGN CONGENITAL, WITH CONTRACTURES. Identifiers: Orphanet 610, MedGen CN029274, MONDO:0024530, OMIM 158810.

Allele frequency attached by ClinVar (database versions not stated): gnomAD 0.06364 and 0.06660; 1000 Genomes Project 30x 0.07511; gnomAD exomes 0.02187 and 0.03127; ExAC 0.03531; 1000 Genomes Project 0.07089; TOPMed 0.07120; ESP Exome Variant Server 0.07527.
gnomAD v4.1: 42,177 of 1,613,994 alleles (2.6%); highest among the groups gnomAD compares: African/African-American, 18%; 1,633 homozygotes.

Submissions (12):

Labcorp Genetics (formerly Invitae), Labcorp
Classification: Benign for Bethlem myopathy 1A. Last evaluated: 2026-02-03. Review status: criteria provided, single submitter. Criteria: Invitae Variant Classification Sherloc (09022015). Collection method: clinical testing. Allele origin: germline.

Athena Diagnostics
Classification: Benign. Last evaluated: 2025-04-09. Review status: criteria provided, single submitter. Criteria: Athena Diagnostics Criteria. Collection method: clinical testing. Allele origin: unknown.
Comment: The frequency of this variant in the general population is higher than would generally be expected for pathogenic variants in this gene.

Mayo Clinic Laboratories, Mayo Clinic
Classification: Benign. Last evaluated: 2018-04-11. Review status: criteria provided, single submitter. Criteria: ACMG Guidelines, 2015. Collection method: clinical testing. Allele origin: germline. Observed: 56 variant alleles.

Illumina Laboratory Services, Illumina
Classification: Benign for Collagen VI-related myopathy. Last evaluated: 2018-01-13. Review status: criteria provided, single submitter. Criteria: ICSL Variant Classification Criteria 13 December 2019. Collection method: clinical testing. Allele origin: germline.
Comment: This variant was observed in the ICSL laboratory as part of a predisposition screen in an ostensibly healthy population. It had not been previously curated by ICSL or reported in the Human Gene Mutation Database (HGMD: prior to June 1st, 2018), and was therefore a candidate for classification through an automated scoring system. Utilizing variant allele frequency, disease prevalence and penetrance estimates, and inheritance mode, an automated score was calculated to assess if this variant is too frequent to cause the disease. Based on the score and internal cut-off values, a variant classified as benign is not then subjected to further curation. The score for this variant resulted in a classification of benign for this disease.

GeneDx
Classification: Benign. Last evaluated: 2016-02-23. Review status: criteria provided, single submitter. Criteria: GeneDx Variant Classification (06012015). Collection method: clinical testing. Allele origin: germline. Affected: yes.
Comment: This variant is considered likely benign or benign based on one or more of the following criteria: it is a conservative change, it occurs at a poorly conserved position in the protein, it is predicted to be benign by multiple in silico algorithms, and/or has population frequency not consistent with disease.

Genetic Services Laboratory, University of Chicago
Classification: Benign for AllHighlyPenetrant. Last evaluated: 2013-08-15. Review status: criteria provided, single submitter. Criteria: ACMG Guidelines, 2007. Collection method: clinical testing. Allele origin: germline.

Eurofins Ntd Llc (ga)
Classification: Benign. Last evaluated: 2012-07-17. Review status: criteria provided, single submitter. Criteria: EGL Classification Definitions 2015. Collection method: clinical testing. Allele origin: germline. Observed: 13 variant alleles, 12 heterozygotes, 1 homozygote.

Breakthrough Genomics
Classification: Benign. Review status: criteria provided, single submitter. Criteria: ACMG Guidelines, 2015. Collection method: not provided. Allele origin: germline. Inheritance: Autosomal recessive inheritance. Affected: yes.

PreventionGenetics, part of Exact Sciences
Classification: Benign. Review status: criteria provided, single submitter. Criteria: ACMG Guidelines, 2015. Collection method: clinical testing. Allele origin: germline.

Clinical Genetics, Academic Medical Center
Classification: Benign. Review status: no assertion criteria provided. Collection method: clinical testing. Allele origin: germline. Affected: yes. Study: VKGL Data-share Consensus. Not counted in ClinVar's aggregate classification.

Joint Genome Diagnostic Labs from Nijmegen and Maastricht, Radboudumc and MUMC+
Classification: Benign. Review status: no assertion criteria provided. Collection method: clinical testing. Allele origin: germline. Affected: yes. Study: VKGL Data-share Consensus. Not counted in ClinVar's aggregate classification.

Laboratory of Diagnostic Genome Analysis, Leiden University Medical Center (LUMC)
Classification: Likely benign. Review status: no assertion criteria provided. Collection method: clinical testing. Allele origin: germline. Affected: yes. Study: VKGL Data-share Consensus. Not counted in ClinVar's aggregate classification.